The following is an entry in ClinVar:

NM_001042492.3(NF1):c.894A>T (p.Leu298Phe)

Gene: NF1 (neurofibromin 1; plus strand). Cytogenetic location: 17q11.2.
Variant type: single nucleotide variant.
Coding change: c.894A>T on transcript NM_001042492.3 (MANE Select); coding-DNA position 894, A replaced by T.
Protein change: p.Leu298Phe; replaces leucine 298 with phenylalanine.
Molecular consequence: missense variant.
Genome position (GRCh38, 1-based): chr17:31,200,427, A>T. VCF-style: chr17-31200427-A-T. GRCh37 (hg19) VCF-style: chr17-29527445-A-T.
Other names: c.894A>T, p.Leu298Phe (NM_000267.4, NM_001128147.3); short protein forms L298F.
Identifiers: ClinVar variation 2700651 (VCV002700651.4), dbSNP rs1361812147, ClinGen allele CA398995506.
Genomic context (GRCh38, chr17:31,200,427, plus strand): 5'-TCTGGAATAGAAGAAACTTCATATATTATCTTATCGCTATATTTGAATTCTGTAGAAGTT[A>T]TTTCTGGACAGTCTACGAAAAGCTCTTGCTGGCCATGGAGGAAGTAGGCAGCTGACAGAA-3'
Protein context (NP_001035957.1, residues 288-308): VVDENNMNKK[Leu298Phe]FLDSLRKALA

ClinVar aggregate classification (germline): Uncertain significance. Review status: criteria provided, multiple submitters, no conflicts (2 of 4 stars). 2 submissions from 2 submitters: Uncertain significance (2). Last evaluated 2026-07-01.

Conditions:
Neurofibromatosis, type 1 (NF1). Also called: VON RECKLINGHAUSEN DISEASE; Neurofibromatosis, type I; Peripheral type neurofibromatosis; NEUROFIBROMATOSIS, TYPE I, SOMATIC. Identifiers: Orphanet 636, MedGen C0027831, MONDO:0018975, OMIM 162200. Disease mechanism: loss of function.
Cardiovascular phenotype. Identifiers: MedGen CN230736.
Hereditary cancer-predisposing syndrome. Also called: Hereditary neoplastic syndrome; Hereditary Cancer Syndrome; Neoplastic Syndromes, Hereditary; Tumor predisposition. Identifiers: Orphanet 140162, MedGen C0027672, MeSH D009386, MONDO:0015356.

Submissions (2):

Ambry Genetics
Classification: Uncertain significance for Cardiovascular phenotype; Hereditary cancer-predisposing syndrome. Last evaluated: 2026-07-01. Review status: criteria provided, single submitter. Criteria: Ambry Variant Classification Scheme 2023. Collection method: clinical testing. Allele origin: germline.
Comment: The p.L298F variant (also known as c.894A>T), located in coding exon 9 of the NF1 gene, results from an A to T substitution at nucleotide position 894. The leucine at codon 298 is replaced by phenylalanine, an amino acid with highly similar properties. This amino acid position is conserved. In addition, this alteration is predicted to be tolerated by in silico analysis. Based on the available evidence, the clinical significance of this variant remains unclear.

Labcorp Genetics (formerly Invitae), Labcorp
Classification: Uncertain significance for Neurofibromatosis, type 1. Last evaluated: 2023-06-09. Review status: criteria provided, single submitter. Criteria: Invitae Variant Classification Sherloc (09022015). Collection method: clinical testing. Allele origin: germline.
Comment: Advanced modeling of protein sequence and biophysical properties (such as structural, functional, and spatial information, amino acid conservation, physicochemical variation, residue mobility, and thermodynamic stability) performed at Invitae indicates that this missense variant is not expected to disrupt NF1 protein function. This variant has not been reported in the literature in individuals affected with NF1-related conditions. This variant is not present in population databases (gnomAD no frequency). This sequence change replaces leucine, which is neutral and non-polar, with phenylalanine, which is neutral and non-polar, at codon 298 of the NF1 protein (p.Leu298Phe). In summary, the available evidence is currently insufficient to determine the role of this variant in disease. Therefore, it has been classified as a Variant of Uncertain Significance.